The following is an entry in ClinVar:

NM_017934.7(PHIP):c.1659A>T (p.Ala553=)

Gene: PHIP (PHIP subunit of CUL4-Ring ligase complex; minus strand). Cytogenetic location: 6q14.1.
Variant type: single nucleotide variant.
Coding change: c.1659A>T on transcript NM_017934.7 (MANE Select); coding-DNA position 1659, A replaced by T.
Protein change: p.Ala553=; no amino-acid change (alanine 553 retained).
Molecular consequence: synonymous variant.
Genome position (GRCh38, 1-based): chr6:79,002,119, T>A on the plus strand (A>T on the coding strand, the complement: PHIP is on the minus strand). VCF-style: chr6-79002119-T-A. GRCh37 (hg19) VCF-style: chr6-79711836-T-A.
Identifiers: ClinVar variation 3357690 (VCV003357690.1).

ClinVar aggregate classification (germline): Likely benign (0 of 4 stars; one submission).

Conditions:
PHIP-related disorder. Also called: PHIP-related condition; PHIP-related disorders.

gnomAD v4.1: 15 of 1,606,122 alleles (0.00093%); highest among the groups gnomAD compares: Non-Finnish European, 0.00077%; no homozygotes.

Submission:

PreventionGenetics, part of Exact Sciences
Classification: Likely benign for PHIP-related condition. Last evaluated: 2021-06-18. Review status: no assertion criteria provided. Collection method: clinical testing. Allele origin: germline.
Comment: This variant is classified as likely benign based on ACMG/AMP sequence variant interpretation guidelines (Richards et al. 2015 PMID: 25741868, with internal and published modifications).